The following is an entry in ClinVar:

NM_001127222.2(CACNA1A):c.3898C>T (p.Leu1300Phe)

Genes: CACNA1A (calcium voltage-gated channel subunit alpha1 A; minus strand), LOC126862865 (CDK7 strongly-dependent group 2 enhancer GRCh37_chr19:13385818-13387017; plus strand). Cytogenetic location: 19p13.13.
Variant type: single nucleotide variant.
Coding change: c.3898C>T on transcript NM_001127222.2 (MANE Select); coding-DNA position 3898, C replaced by T.
Protein change: p.Leu1300Phe; replaces leucine 1300 with phenylalanine.
Molecular consequence: missense variant.
Genome position (GRCh38, 1-based): chr19:13,275,941, G>A on the plus strand (C>T on the coding strand, the complement: CACNA1A is on the minus strand). VCF-style: chr19-13275941-G-A. GRCh37 (hg19) VCF-style: chr19-13386755-G-A.
Other names: c.3910C>T, p.Leu1304Phe (NM_000068.4, NM_023035.3); c.3901C>T, p.Leu1301Phe (NM_001127221.2, NM_001174080.2); short protein forms L1300F, L1301F, L1304F.
Identifiers: ClinVar variation 4057142 (VCV004057142.1).

ClinVar aggregate classification (germline): Uncertain significance (1 of 4 stars; one submission).

gnomAD v4.1: 1 of 1,612,788 alleles (0.000062%); highest among the groups gnomAD compares: African/African-American, 0.0013%; no homozygotes.

Submission:

GeneDx
Classification: Uncertain significance. Last evaluated: 2025-01-10. Review status: criteria provided, single submitter. Criteria: GeneDx Variant Classification Process June 2021. Collection method: clinical testing. Allele origin: germline. Affected: yes.
Comment: Not observed at significant frequency in large population cohorts (gnomAD); In silico analysis supports that this missense variant has a deleterious effect on protein structure/function; Has not been previously published as pathogenic or benign to our knowledge